The following is an entry in ClinVar:

ClinVar aggregate classification (germline): Likely benign (0 of 4 stars; one submission).

Conditions:
MDN1-related disorder. Also called: MDN1-related condition.

Allele frequency attached by ClinVar (database versions not stated): TOPMed 0.00013; ESP Exome Variant Server 0.00023; gnomAD 0.00041; gnomAD exomes 0.00044; ExAC 0.00098; 1000 Genomes Project 30x 0.00172; 1000 Genomes Project 0.00180.
gnomAD v4.1: 708 of 1,612,502 alleles (0.044%); highest among the groups gnomAD compares: South Asian, 0.6%; 7 homozygotes.

Submission:

PreventionGenetics, part of Exact Sciences
Classification: Likely benign for MDN1-related condition. Last evaluated: 2019-06-19. Review status: no assertion criteria provided. Collection method: clinical testing. Allele origin: germline.
Comment: This variant is classified as likely benign based on ACMG/AMP sequence variant interpretation guidelines (Richards et al. 2015 PMID: 25741868, with internal and published modifications).

NM_014611.3(MDN1):c.13711G>A (p.Val4571Met)

Genes: MDN1 (midasin AAA ATPase 1; minus strand), MDN1-AS1 (MDN1 antisense RNA 1; plus strand). Cytogenetic location: 6q15.
Variant type: single nucleotide variant.
Coding change: c.13711G>A on transcript NM_014611.3 (MANE Select); coding-DNA position 13711, G replaced by A.
Protein change: p.Val4571Met; replaces valine 4571 with methionine.
Molecular consequence: missense variant.
Genome position (GRCh38, 1-based): chr6:89,672,283, C>T on the plus strand (G>A on the coding strand, the complement: MDN1 is on the minus strand). VCF-style: chr6-89672283-C-T. GRCh37 (hg19) VCF-style: chr6-90382002-C-T.
Other names: short protein forms V4571M.
Identifiers: ClinVar variation 3043443 (VCV003043443.2), dbSNP rs138617275, ClinGen allele CA3922745.